The following is an entry in ClinVar:

ClinVar aggregate classification (germline): Uncertain significance (1 of 4 stars; one submission).

gnomAD v4.1: 2 of 1,444,312 alleles (0.00014%); highest among the groups gnomAD compares: Admixed American, 0.0054%; no homozygotes.

Submission:

Women's Health and Genetics/Laboratory Corporation of America, LabCorp
Classification: Uncertain significance. Last evaluated: 2026-04-15. Review status: criteria provided, single submitter. Criteria: LabCorp Variant Classification Summary - May 2015. Collection method: clinical testing. Allele origin: germline.
Comment: Variant summary: CACNA1A c.*116G>A is located in the untranslated mRNA region downstream of the termination codon. The variant was absent in 60766 control chromosomes. The available data on variant occurrences in the general population are insufficient to allow any conclusion about variant significance. To our knowledge, no occurrence of c.*116G>A in individuals affected with CACNA1A-related conditions and no experimental evidence demonstrating its impact on protein function have been reported. No submitters have cited clinical-significance assessments for this variant to ClinVar. Based on the evidence outlined above, the variant was classified as uncertain significance.

NM_001127222.2(CACNA1A):c.6904G>A (p.Val2302Met)

Gene: CACNA1A (calcium voltage-gated channel subunit alpha1 A; minus strand). Cytogenetic location: 19p13.13.
Variant type: single nucleotide variant.
Coding change: c.6904G>A on transcript NM_001127222.2 (MANE Select); coding-DNA position 6904, G replaced by A.
Protein change: p.Val2302Met; replaces valine 2302 with methionine.
Molecular consequence: missense variant. On other transcripts: 3 prime UTR variant (3).
Genome position (GRCh38, 1-based): chr19:13,207,930, C>T on the plus strand (G>A on the coding strand, the complement: CACNA1A is on the minus strand). VCF-style: chr19-13207930-C-T. GRCh37 (hg19) VCF-style: chr19-13318744-C-T.
Other names: c.*116G>A (NM_000068.4, NM_001127221.2, NM_001174080.2); c.6922G>A, p.Val2308Met (NM_023035.3); short protein forms V2302M, V2308M.
Identifiers: ClinVar variation 4848526 (VCV004848526.1).